The following is an entry in ClinVar:

ClinVar aggregate classification (germline): Uncertain significance. Review status: criteria provided, multiple submitters, no conflicts (2 of 4 stars). 2 submissions from 2 submitters: Uncertain significance (2). Last evaluated 2024-10-21.

Conditions:
Autosomal dominant nonsyndromic hearing loss 65. Also called: Deafness, autosomal dominant 65; TBC1D24-Related Autosomal Dominant Nonsyndromic Hearing Loss (DFNA). Identifiers: Orphanet 90635, MedGen C3892048, MONDO:0014470, OMIM 616044.
Developmental and epileptic encephalopathy, 1 (DEE1). Also called: X-linked infantile spasms; West's syndrome; Tonic spasms with clustering, arrest of psychomotor development and hypsarrhythmia on EEG; X-Linked Infantile Spasm Syndrome; OHTAHARA SYNDROME, X-LINKED; INFANTILE SPASM SYNDROME, X-LINKED 1. Identifiers: MedGen C3463992, MONDO:0010632, OMIM 308350. Disease mechanism: loss of function.

Submissions (2):

Labcorp Genetics (formerly Invitae), Labcorp
Classification: Uncertain significance for Developmental and epileptic encephalopathy, 1; Autosomal dominant nonsyndromic hearing loss 65. Last evaluated: 2024-10-21. Review status: criteria provided, single submitter. Criteria: Invitae Variant Classification Sherloc (09022015). Collection method: clinical testing. Allele origin: germline.
Comment: This variant, c.1198_1200dup, results in the insertion of 1 amino acid(s) of the TBC1D24 protein (p.Gln400dup), but otherwise preserves the integrity of the reading frame. This variant is present in population databases (rs752216831, gnomAD 0.009%). This variant has not been reported in the literature in individuals affected with TBC1D24-related conditions. ClinVar contains an entry for this variant (Variation ID: 1481709). Experimental studies and prediction algorithms are not available or were not evaluated, and the functional significance of this variant is currently unknown. In summary, the available evidence is currently insufficient to determine the role of this variant in disease. Therefore, it has been classified as a Variant of Uncertain Significance.

GeneDx
Classification: Uncertain significance. Last evaluated: 2023-05-08. Review status: criteria provided, single submitter. Criteria: GeneDx Variant Classification Process June 2021. Collection method: clinical testing. Allele origin: germline. Affected: yes.
Comment: Not observed at significant frequency in large population cohorts (gnomAD); In-frame insertion of 1 amino acids in a non-repeat region; Has not been previously published as pathogenic or benign to our knowledge

NM_001199107.2(TBC1D24):c.1198_1200dup (p.Gln400dup)

Gene: TBC1D24 (TBC1 domain family member 24; plus strand). Cytogenetic location: 16p13.3.
Variant type: Duplication.
Coding change: c.1198_1200dup on transcript NM_001199107.2 (MANE Select); coding-DNA positions 1198 to 1200, 3 bases duplicated (CAG; older notation c.1198_1200dupCAG).
Protein change: p.Gln400dup; duplicates glutamine 400.
Molecular consequence: inframe insertion.
Genome position (GRCh38, 1-based): chr16:2,499,412-2,499,414, CAG duplicated; duplicating any 3 consecutive bases within chr16:2,499,411-2,499,414 gives the same sequence; the c. name uses the placement nearest the transcript's 3' end. VCF-style (leftmost placement, unchanged base first): chr16-2499410-C-CGCA. GRCh37 (hg19) VCF-style: chr16-2549411-C-CGCA.
Other names: c.1198_1200dup (NM_001199107.1); c.1180_1182dup, p.Gln394dup (NM_020705.3).
Identifiers: ClinVar variation 1481709 (VCV001481709.9), dbSNP rs752216831, ClinGen allele CA7844192.